The following is an entry in ClinVar:

NM_000136.3(FANCC):c.1552A>T (p.Ile518Leu)

Genes: FANCC (FA complementation group C; minus strand), AOPEP (aminopeptidase O (putative); plus strand). Cytogenetic location: 9q22.32.
Variant type: single nucleotide variant.
Coding change: c.1552A>T on transcript NM_000136.3 (MANE Select); coding-DNA position 1552, A replaced by T.
Protein change: p.Ile518Leu; replaces isoleucine 518 with leucine.
Molecular consequence: missense variant.
Genome position (GRCh38, 1-based): chr9:95,101,832, T>A on the plus strand (A>T on the coding strand, the complement: FANCC is on the minus strand). VCF-style: chr9-95101832-T-A. GRCh37 (hg19) VCF-style: chr9-97864114-T-A.
Other names: c.1552A>T, p.Ile518Leu (NM_001243743.2); short protein forms I518L.
Identifiers: ClinVar variation 3230367 (VCV003230367.1), dbSNP rs2540750852, ClinGen allele CA374104789.
Genomic context (GRCh38, chr9:95,101,832, plus strand): 5'-TGCCAAGACGATTCCATCTGTACAAGGTCTGGTCAAGAAAGCCAATGATCTCGTGAGTTA[T>A]CTCAGCAGTGTGAGCCATCTGCAATCAGGACAGAAGAGAAGGCAAATTAAAACACTTTCC-3'
Protein context (NP_000127.2, residues 508-528): VITLMAHTAE[Ile518Leu]THEIIGFLDQ

ClinVar aggregate classification (germline): Uncertain significance (1 of 4 stars; one submission).

Conditions:
Hereditary cancer-predisposing syndrome. Also called: Neoplastic Syndromes, Hereditary; Tumor predisposition; Hereditary neoplastic syndrome; Hereditary Cancer Syndrome. Identifiers: Orphanet 140162, MedGen C0027672, MeSH D009386, MONDO:0015356.

Submission:

Ambry Genetics
Classification: Uncertain significance for Hereditary cancer-predisposing syndrome. Last evaluated: 2023-10-08. Review status: criteria provided, single submitter. Criteria: Ambry Variant Classification Scheme 2023. Collection method: clinical testing. Allele origin: germline.
Comment: The p.I518L variant (also known as c.1552A>T), located in coding exon 14 of the FANCC gene, results from an A to T substitution at nucleotide position 1552. The isoleucine at codon 518 is replaced by leucine, an amino acid with highly similar properties. This amino acid position is conserved. In addition, this alteration is predicted to be tolerated by in silico analysis. Since supporting evidence is limited at this time, the clinical significance of this alteration remains unclear.